The following is an entry in ClinVar:

ClinVar aggregate classification (germline): Likely benign. Review status: criteria provided, multiple submitters, no conflicts (2 of 4 stars). 2 submissions from 2 submitters: Likely benign (2). Last evaluated 2025-11-22.

Allele frequency attached by ClinVar (database versions not stated): gnomAD 0.00001; TOPMed 0.00001.
gnomAD v4.1: 11 of 1,613,254 alleles (0.00068%); highest among the groups gnomAD compares: Admixed American, 0.0017%; no homozygotes.

Submissions (2):

Labcorp Genetics (formerly Invitae), Labcorp
Classification: Likely benign. Last evaluated: 2025-11-22. Review status: criteria provided, single submitter. Criteria: Invitae Variant Classification Sherloc (09022015). Collection method: clinical testing. Allele origin: germline.

CeGaT Center for Human Genetics Tuebingen
Classification: Likely benign. Last evaluated: 2023-02-01. Review status: criteria provided, single submitter. Criteria: CeGaT Center For Human Genetics Tuebingen Variant Classification Criteria Version 2. Collection method: clinical testing. Allele origin: germline. Affected: yes. Observed: 1 variant allele.
Comment: HYOU1: BP4, BP7

NM_006389.5(HYOU1):c.525C>T (p.Thr175=)

Gene: HYOU1 (hypoxia up-regulated 1; minus strand). Cytogenetic location: 11q23.3.
Variant type: single nucleotide variant.
Coding change: c.525C>T on transcript NM_006389.5 (MANE Select); coding-DNA position 525, C replaced by T.
Protein change: p.Thr175=; no amino-acid change (threonine 175 retained).
Molecular consequence: synonymous variant.
Genome position (GRCh38, 1-based): chr11:119,054,647, G>A on the plus strand (C>T on the coding strand, the complement: HYOU1 is on the minus strand). VCF-style: chr11-119054647-G-A. GRCh37 (hg19) VCF-style: chr11-118925359-G-A.
Other names: c.525C>T, p.Thr175= (NM_001130991.3, NM_001411041.1).
Identifiers: ClinVar variation 2642452 (VCV002642452.23), dbSNP rs201424883, ClinGen allele CA229648122.